The following is an entry in ClinVar:

ClinVar aggregate classification (germline): Uncertain significance (1 of 4 stars; one submission).

gnomAD v4.1: 1 of 1,614,190 alleles (0.000062%); highest among the groups gnomAD compares: Admixed American, 0.0017%; no homozygotes.

Submission:

Labcorp Genetics (formerly Invitae), Labcorp
Classification: Uncertain significance. Last evaluated: 2024-04-12. Review status: criteria provided, single submitter. Criteria: Invitae Variant Classification Sherloc (09022015). Collection method: clinical testing. Allele origin: germline.
Comment: This sequence change replaces valine, which is neutral and non-polar, with phenylalanine, which is neutral and non-polar, at codon 545 of the A2ML1 protein (p.Val545Phe). This variant is not present in population databases (gnomAD no frequency). This variant has not been reported in the literature in individuals affected with A2ML1-related conditions. An algorithm developed to predict the effect of missense changes on protein structure and function (PolyPhen-2) suggests that this variant is likely to be disruptive. In summary, the available evidence is currently insufficient to determine the role of this variant in disease. Therefore, it has been classified as a Variant of Uncertain Significance.

NM_144670.6(A2ML1):c.1633G>T (p.Val545Phe)

Gene: A2ML1 (alpha-2-macroglobulin like 1; plus strand). Cytogenetic location: 12p13.31.
Variant type: single nucleotide variant.
Coding change: c.1633G>T on transcript NM_144670.6 (MANE Select); coding-DNA position 1633, G replaced by T.
Protein change: p.Val545Phe; replaces valine 545 with phenylalanine.
Molecular consequence: missense variant.
Genome position (GRCh38, 1-based): chr12:8,846,172, G>T. VCF-style: chr12-8846172-G-T. GRCh37 (hg19) VCF-style: chr12-8998768-G-T.
Other names: c.160G>T, p.Val54Phe (NM_001282424.3); short protein forms V545F, V54F.
Identifiers: ClinVar variation 3721167 (VCV003721167.2).